The following is an entry in ClinVar:

NM_002386.4(MC1R):c.421G>T (p.Asp141Tyr)

Gene: MC1R (melanocortin 1 receptor; plus strand). Cytogenetic location: 16q24.3.
Variant type: single nucleotide variant.
Coding change: c.421G>T on transcript NM_002386.4 (MANE Select); coding-DNA position 421, G replaced by T.
Protein change: p.Asp141Tyr; replaces aspartic acid 141 with tyrosine.
Molecular consequence: missense variant.
Genome position (GRCh38, 1-based): chr16:89,919,679, G>T. VCF-style: chr16-89919679-G-T. GRCh37 (hg19) VCF-style: chr16-89986087-G-T.
Other names: short protein forms D141Y.
Identifiers: ClinVar variation 4859647 (VCV004859647.1).
Genomic context (GRCh38, chr16:89,919,679, plus strand): 5'-GACGTGATCACCTGCAGCTCCATGCTGTCCAGCCTCTGCTTCCTGGGCGCCATCGCCGTG[G>T]ACCGCTACATCTCCATCTTCTACGCACTGCGCTACCACAGCATCGTGACCCTGCCGCGGG-3'
Protein context (NP_002377.4, residues 131-151): SLCFLGAIAV[Asp141Tyr]RYISIFYALR

ClinVar aggregate classification (germline): Uncertain significance (1 of 4 stars; one submission).

gnomAD v4.1: 1 of 1,606,222 alleles (0.000062%); highest among the groups gnomAD compares: South Asian, 0.0011%; no homozygotes.

Submission:

Ambry Genetics
Classification: Uncertain significance. Last evaluated: 2026-03-26. Review status: criteria provided, single submitter. Criteria: Ambry Variant Classification Scheme 2023. Collection method: clinical testing. Allele origin: germline.
Comment: The p.D141Y variant (also known as c.421G>T), located in coding exon 1 of the MC1R gene, results from a G to T substitution at nucleotide position 421. The aspartic acid at codon 141 is replaced by tyrosine, an amino acid with highly dissimilar properties. This amino acid position is conserved. In addition, this alteration is predicted to be deleterious by in silico analysis. Based on the available evidence, the clinical significance of this variant remains unclear.